The following is an entry in ClinVar:

NM_016239.4(MYO15A):c.5007+1G>C

Gene: MYO15A (myosin XVA; plus strand). Cytogenetic location: 17p11.2.
Variant type: single nucleotide variant.
Coding change: c.5007+1G>C on transcript NM_016239.4 (MANE Select); the canonical splice donor site of the intron after coding-DNA position 5007, G replaced by C.
Molecular consequence: splice donor variant.
Genome position (GRCh38, 1-based): chr17:18,138,247, G>C. VCF-style: chr17-18138247-G-C. GRCh37 (hg19) VCF-style: chr17-18041561-G-C.
Identifiers: ClinVar variation 2736468 (VCV002736468.3), dbSNP rs1259460916, ClinGen allele CA398597845.

ClinVar aggregate classification (germline): Likely pathogenic (1 of 4 stars; one submission).

Allele frequency attached by ClinVar (database versions not stated): gnomAD 0.00001; TOPMed 0.00001.
gnomAD v4.1: 3 of 1,612,036 alleles (0.00019%); highest among the groups gnomAD compares: African/African-American, 0.0027%; no homozygotes.

Submission:

Labcorp Genetics (formerly Invitae), Labcorp
Classification: Likely pathogenic. Last evaluated: 2023-04-22. Review status: criteria provided, single submitter. Criteria: Invitae Variant Classification Sherloc (09022015). Collection method: clinical testing. Allele origin: germline.
Comment: In summary, the currently available evidence indicates that the variant is pathogenic, but additional data are needed to prove that conclusively. Therefore, this variant has been classified as Likely Pathogenic. Algorithms developed to predict the effect of sequence changes on RNA splicing suggest that this variant may disrupt the consensus splice site. Disruption of this splice site has been observed in individual(s) with nonsyndromic deafness (PMID: 27068579). This variant is not present in population databases (gnomAD no frequency). This sequence change affects a donor splice site in intron 17 of the MYO15A gene. It is expected to disrupt RNA splicing. Variants that disrupt the donor or acceptor splice site typically lead to a loss of protein function (PMID: 16199547), and loss-of-function variants in MYO15A are known to be pathogenic (PMID: 17546645).

Literature cited by the submitters: PubMed 27068579; PubMed 16199547; PubMed 17546645.